The following is an entry in ClinVar:

NM_006947.4(SRP72):c.1316A>G (p.His439Arg)

Gene: SRP72 (signal recognition particle 72; plus strand). Cytogenetic location: 4q12.
Variant type: single nucleotide variant.
Coding change: c.1316A>G on transcript NM_006947.4 (MANE Select); coding-DNA position 1316, A replaced by G.
Protein change: p.His439Arg; replaces histidine 439 with arginine.
Molecular consequence: missense variant. On other transcripts: non-coding transcript variant (1).
Genome position (GRCh38, 1-based): chr4:56,489,479, A>G. VCF-style: chr4-56489479-A-G. GRCh37 (hg19) VCF-style: chr4-57355645-A-G.
Other names: c.1133A>G, p.His378Arg (NM_001267722.2); short protein forms H439R, H378R.
Identifiers: ClinVar variation 4589589 (VCV004589589.1).

ClinVar aggregate classification (germline): Uncertain significance (1 of 4 stars; one submission).

Submission:

Ambry Genetics
Classification: Uncertain significance. Last evaluated: 2025-10-03. Review status: criteria provided, single submitter. Criteria: Ambry Variant Classification Scheme 2023. Collection method: clinical testing. Allele origin: germline.
Comment: The p.H439R variant (also known as c.1316A>G), located in coding exon 13 of the SRP72 gene, results from an A to G substitution at nucleotide position 1316. The histidine at codon 439 is replaced by arginine, an amino acid with highly similar properties. This amino acid position is conserved. In addition, this alteration is predicted to be tolerated by in silico analysis. Based on the available evidence, the clinical significance of this variant remains unclear.